The following is an entry in ClinVar:

ClinVar aggregate classification (germline): Uncertain significance (1 of 4 stars; one submission).

Allele frequency attached by ClinVar (database versions not stated): gnomAD 0.00001.
gnomAD v4.1: 1 of 1,613,664 alleles (0.000062%); highest among the groups gnomAD compares: Admixed American, 0.0017%; no homozygotes.

Submission:

Labcorp Genetics (formerly Invitae), Labcorp
Classification: Uncertain significance. Last evaluated: 2022-05-17. Review status: criteria provided, single submitter. Criteria: Invitae Variant Classification Sherloc (09022015). Collection method: clinical testing. Allele origin: germline.
Comment: In summary, the available evidence is currently insufficient to determine the role of this variant in disease. Therefore, it has been classified as a Variant of Uncertain Significance. This sequence change replaces serine, which is neutral and polar, with threonine, which is neutral and polar, at codon 142 of the RP1L1 protein (p.Ser142Thr). This variant is not present in population databases (gnomAD no frequency). This variant has not been reported in the literature in individuals affected with RP1L1-related conditions. Advanced modeling of protein sequence and biophysical properties (such as structural, functional, and spatial information, amino acid conservation, physicochemical variation, residue mobility, and thermodynamic stability) performed at Invitae indicates that this missense variant is not expected to disrupt RP1L1 protein function.

NM_178857.6(RP1L1):c.424T>A (p.Ser142Thr)

Gene: RP1L1 (RP1 like 1). Cytogenetic location: 8p23.1.
Variant type: single nucleotide variant.
Coding change: c.424T>A on transcript NM_178857.6 (MANE Select); coding-DNA position 424, T replaced by A.
Protein change: p.Ser142Thr; replaces serine 142 with threonine.
Molecular consequence: missense variant.
Genome position (GRCh38, 1-based): chr8:10,622,778, A>T on the plus strand (T>A on the coding strand, the complement: RP1L1 is on the minus strand). VCF-style: chr8-10622778-A-T. GRCh37 (hg19) VCF-style: chr8-10480288-A-T.
Other names: short protein forms S142T.
Identifiers: ClinVar variation 2125973 (VCV002125973.4), dbSNP rs374879431, ClinGen allele CA370300208.